The following is an entry in ClinVar:

ClinVar aggregate classification (germline): Uncertain significance (1 of 4 stars; one submission).

Conditions:
Inborn genetic diseases. Identifiers: MedGen C0950123, MeSH D030342.

Allele frequency attached by ClinVar (database versions not stated): gnomAD exomes below 0.00001; ExAC 0.00001.
gnomAD v4.1: 3 of 1,613,862 alleles (0.00019%); highest among the groups gnomAD compares: Non-Finnish European, 0.00017%; no homozygotes.

Submission:

Ambry Genetics
Classification: Uncertain significance for Inborn genetic diseases. Last evaluated: 2022-08-16. Review status: criteria provided, single submitter. Criteria: Ambry Variant Classification Scheme 2023. Collection method: clinical testing. Allele origin: germline.
Comment: The p.S661Y variant (also known as c.1982C>A), located in coding exon 8 of the WNK1 gene, results from a C to A substitution at nucleotide position 1982. The serine at codon 661 is replaced by tyrosine, an amino acid with dissimilar properties. This amino acid position is highly conserved in available vertebrate species. In addition, the in silico prediction for this alteration is inconclusive. Since supporting evidence is limited at this time, the clinical significance of this alteration remains unclear.

NM_018979.4(WNK1):c.1982C>A (p.Ser661Tyr)

Gene: WNK1 (WNK lysine deficient protein kinase 1; plus strand). Cytogenetic location: 12p13.33.
Variant type: single nucleotide variant.
Coding change: c.1982C>A on transcript NM_018979.4 (MANE Select); coding-DNA position 1982, C replaced by A.
Protein change: p.Ser661Tyr; replaces serine 661 with tyrosine.
Molecular consequence: missense variant.
Genome position (GRCh38, 1-based): chr12:862,113, C>A. VCF-style: chr12-862113-C-A. GRCh37 (hg19) VCF-style: chr12-971279-C-A.
Other names: c.1982C>A, p.Ser661Tyr (NM_001184985.2, NM_014823.3, NM_213655.5); short protein forms S661Y.
Identifiers: ClinVar variation 1783831 (VCV001783831.2), dbSNP rs763139220, ClinGen allele CA6382084.